The following is an entry in ClinVar:

ClinVar aggregate classification (germline): Uncertain significance (1 of 4 stars; one submission).

Allele frequency attached by ClinVar (database versions not stated): gnomAD exomes below 0.00001.
gnomAD v4.1: 1 of 1,600,182 alleles (0.000062%); highest among the groups gnomAD compares: Non-Finnish European, 0.000085%; no homozygotes.

Submission:

Labcorp Genetics (formerly Invitae), Labcorp
Classification: Uncertain significance. Last evaluated: 2023-12-31. Review status: criteria provided, single submitter. Criteria: Invitae Variant Classification Sherloc (09022015). Collection method: clinical testing. Allele origin: germline.
Comment: This sequence change replaces glutamine, which is neutral and polar, with arginine, which is basic and polar, at codon 643 of the PACS2 protein (p.Gln643Arg). This variant is not present in population databases (gnomAD no frequency). This variant has not been reported in the literature in individuals affected with PACS2-related conditions. Advanced modeling of protein sequence and biophysical properties (such as structural, functional, and spatial information, amino acid conservation, physicochemical variation, residue mobility, and thermodynamic stability) performed at Invitae indicates that this missense variant is not expected to disrupt PACS2 protein function with a negative predictive value of 80%. In summary, the available evidence is currently insufficient to determine the role of this variant in disease. Therefore, it has been classified as a Variant of Uncertain Significance.

NM_001100913.3(PACS2):c.1928A>G (p.Gln643Arg)

Gene: PACS2 (phosphofurin acidic cluster sorting protein 2; plus strand). Cytogenetic location: 14q32.33.
Variant type: single nucleotide variant.
Coding change: c.1928A>G on transcript NM_001100913.3 (MANE Select); coding-DNA position 1928, A replaced by G.
Protein change: p.Gln643Arg; replaces glutamine 643 with arginine.
Molecular consequence: missense variant.
Genome position (GRCh38, 1-based): chr14:105,384,915, A>G. VCF-style: chr14-105384915-A-G. GRCh37 (hg19) VCF-style: chr14-105851252-A-G.
Other names: c.1691A>G, p.Gln564Arg (NM_001243127.3); c.1916A>G, p.Gln639Arg (NM_015197.4); short protein forms Q639R, Q564R, Q643R.
Identifiers: ClinVar variation 2706809 (VCV002706809.3), dbSNP rs2544833899, ClinGen allele CA391184290.
Genomic context (GRCh38, chr14:105,384,915, plus strand): 5'-CCCCACCGCCTCCTCCCCCTGCAGTACAGGACACGCCAGACATTGTGTCACGCATCACGC[A>G]GTACATCGCAGGGGCCAACTGTGCCCACCAGCTCCCCATCGCAGAGGCCATGCTGACCTA-3'
Protein context (NP_001094383.2, residues 633-653): DTPDIVSRIT[Gln643Arg]YIAGANCAHQ